The following is an entry in ClinVar:

ClinVar aggregate classification (germline): Uncertain significance. Review status: criteria provided, multiple submitters, no conflicts (2 of 4 stars). 2 submissions from 2 submitters: Uncertain significance (2). Last evaluated 2024-05-22.

Conditions:
Familial sleep-related hypermotor epilepsy. Also called: Autosomal Dominant Sleep-Related Hypermotor (Hyperkinetic) Epilepsy. Identifiers: Orphanet 98784, MedGen C3696898, MONDO:0000030.
Inborn genetic diseases. Identifiers: MedGen C0950123, MeSH D030342.

Allele frequency attached by ClinVar (database versions not stated): TOPMed 0.00001.

Submissions (2):

Ambry Genetics
Classification: Uncertain significance for Inborn genetic diseases. Last evaluated: 2024-05-22. Review status: criteria provided, single submitter. Criteria: Ambry Variant Classification Scheme 2023. Collection method: clinical testing. Allele origin: germline.

Labcorp Genetics (formerly Invitae), Labcorp
Classification: Uncertain significance. Last evaluated: 2022-03-19. Review status: criteria provided, single submitter. Criteria: Invitae Variant Classification Sherloc (09022015). Collection method: clinical testing. Allele origin: germline.
Comment: In summary, the available evidence is currently insufficient to determine the role of this variant in disease. Therefore, it has been classified as a Variant of Uncertain Significance. Advanced modeling of protein sequence and biophysical properties (such as structural, functional, and spatial information, amino acid conservation, physicochemical variation, residue mobility, and thermodynamic stability) performed at Invitae indicates that this missense variant is not expected to disrupt CHRNA2 protein function. This variant has not been reported in the literature in individuals affected with CHRNA2-related conditions. This variant is not present in population databases (gnomAD no frequency). This sequence change replaces lysine, which is basic and polar, with glutamine, which is neutral and polar, at codon 101 of the CHRNA2 protein (p.Lys101Gln).

NM_000742.4(CHRNA2):c.301A>C (p.Lys101Gln)

Gene: CHRNA2 (cholinergic receptor nicotinic alpha 2 subunit; minus strand). Cytogenetic location: 8p21.2.
Variant type: single nucleotide variant.
Coding change: c.301A>C on transcript NM_000742.4 (MANE Select); coding-DNA position 301, A replaced by C.
Protein change: p.Lys101Gln; replaces lysine 101 with glutamine.
Molecular consequence: missense variant. On other transcripts: 5 prime UTR variant (4).
Genome position (GRCh38, 1-based): chr8:27,469,373, T>G on the plus strand (A>C on the coding strand, the complement: CHRNA2 is on the minus strand). VCF-style: chr8-27469373-T-G. GRCh37 (hg19) VCF-style: chr8-27326890-T-G.
Other names: c.256A>C, p.Lys86Gln (NM_001282455.2); c.-172A>C (NM_001347705.2, NM_001347706.2); c.-158A>C (NM_001347707.2); c.-161A>C (NM_001347708.2); short protein forms K101Q, K86Q.
Identifiers: ClinVar variation 1501390 (VCV001501390.7), dbSNP rs1554515367, ClinGen allele CA313434.